The following is an entry in ClinVar:

ClinVar aggregate classification (germline): Uncertain significance. Review status: criteria provided, multiple submitters, no conflicts (2 of 4 stars). 3 submissions from 3 submitters: Uncertain significance (3). Last evaluated 2025-01-06.

Conditions:
Inborn genetic diseases. Identifiers: MedGen C0950123, MeSH D030342.

Allele frequency attached by ClinVar (database versions not stated): ExAC 0.00001; gnomAD 0.00002 and 0.00003; gnomAD exomes 0.00002; TOPMed 0.00002.
gnomAD v4.1: 32 of 1,613,686 alleles (0.002%); highest among the groups gnomAD compares: Non-Finnish European, 0.0025%; no homozygotes.

Submissions (3):

Labcorp Genetics (formerly Invitae), Labcorp
Classification: Uncertain significance. Last evaluated: 2025-01-06. Review status: criteria provided, single submitter. Criteria: Invitae Variant Classification Sherloc (09022015). Collection method: clinical testing. Allele origin: germline.
Comment: This sequence change replaces glutamine, which is neutral and polar, with arginine, which is basic and polar, at codon 1277 of the KIAA1549 protein (p.Gln1277Arg). This variant is present in population databases (rs745883556, gnomAD 0.004%). This variant has not been reported in the literature in individuals affected with KIAA1549-related conditions. ClinVar contains an entry for this variant (Variation ID: 859151). An algorithm developed to predict the effect of missense changes on protein structure and function (PolyPhen-2) suggests that this variant is likely to be disruptive. In summary, the available evidence is currently insufficient to determine the role of this variant in disease. Therefore, it has been classified as a Variant of Uncertain Significance.

Ambry Genetics
Classification: Uncertain significance for Inborn genetic diseases. Last evaluated: 2022-10-12. Review status: criteria provided, single submitter. Criteria: Ambry Variant Classification Scheme 2023. Collection method: clinical testing. Allele origin: germline.

Blueprint Genetics
Classification: Uncertain significance. Last evaluated: 2022-09-30. Review status: criteria provided, single submitter. Criteria: ACMG Guidelines, 2015. Collection method: clinical testing. Allele origin: germline.

NM_001164665.2(KIAA1549):c.3830A>G (p.Gln1277Arg)

Gene: KIAA1549 (KIAA1549; minus strand). Cytogenetic location: 7q34.
Variant type: single nucleotide variant.
Coding change: c.3830A>G on transcript NM_001164665.2 (MANE Select); coding-DNA position 3830, A replaced by G.
Protein change: p.Gln1277Arg; replaces glutamine 1277 with arginine.
Molecular consequence: missense variant.
Genome position (GRCh38, 1-based): chr7:138,898,972, T>C on the plus strand (A>G on the coding strand, the complement: KIAA1549 is on the minus strand). VCF-style: chr7-138898972-T-C. GRCh37 (hg19) VCF-style: chr7-138583718-T-C.
Other names: c.3830A>G, p.Gln1277Arg (NM_020910.3); short protein forms Q1277R.
Identifiers: ClinVar variation 859151 (VCV000859151.9), dbSNP rs745883556, ClinGen allele CA4506104.